The following is an entry in ClinVar:

NM_001613.4(ACTA2):c.442G>A (p.Gly148Arg)

Gene: ACTA2 (actin alpha 2, smooth muscle; minus strand). Cytogenetic location: 10q23.31.
Variant type: single nucleotide variant.
Coding change: c.442G>A on transcript NM_001613.4 (MANE Select); coding-DNA position 442, G replaced by A.
Protein change: p.Gly148Arg; replaces glycine 148 with arginine.
Molecular consequence: missense variant.
Genome position (GRCh38, 1-based): chr10:88,941,797, C>T on the plus strand (G>A on the coding strand, the complement: ACTA2 is on the minus strand). VCF-style: chr10-88941797-C-T. GRCh37 (hg19) VCF-style: chr10-90701554-C-T.
Other names: c.442G>A, p.Gly148Arg (NM_001141945.3, NM_001320855.2, NM_001406462.1 and 3 more transcripts); c.331G>A, p.Gly111Arg (NM_001406466.1); c.313G>A, p.Gly105Arg (NM_001406467.1, NM_001406468.1, NM_001406469.1); short protein forms G105R, G111R, G148R.
Identifiers: ClinVar variation 4879640 (VCV004879640.1).

ClinVar aggregate classification (germline): Likely pathogenic (1 of 4 stars; one submission).

Conditions:
Aortic aneurysm, familial thoracic 6 (AAT6). Also called: FAMILIAL THORACIC AORTIC ANEURYSM WITH LIVEDO RETICULARIS AND IRIS FLOCCULI. Identifiers: MedGen C2673186, MONDO:0012730, OMIM 611788.

Submission:

Victorian Clinical Genetics Services, Murdoch Childrens Research Institute
Classification: Likely pathogenic for Aortic aneurysm, familial thoracic 6. Last evaluated: 2026-02-23. Review status: criteria provided, single submitter. Criteria: ACMG Guidelines, 2015. Collection method: clinical testing. Allele origin: germline. Affected: yes.
Comment: This variant is classified as Likely pathogenic. Evidence in support of pathogenic classification: Variant is absent from gnomAD (v2, v3 and v4); This variant has limited previous evidence of pathogenicity in unrelated individual(s). This variant has been reported in the literature in an individual with a thoracic aortic aneurysm, dissection, and left ventricular non-compaction (PMID: 38316882), and in a family with aortic dissection (PMID: 25759435); This variant has limited evidence for segregation with disease. This variant has been shown to segregate with disease in two individuals from one family (VCGS internal data). In addition, this variant has been reported in the literature in multiple family members with aortic events; however, detailed segregation evidence was not provided (PMID: 25759435); This variant has moderate functional evidence supporting abnormal protein function. In vivo zebrafish model showed p.(Gly148Arg) resulted in impaired heart contraction and specific inhibition of cell proliferation in both myocardial and endocardial endothelial cells compared to wildtype (PMID: 38316882); Missense variant predicted to be damaging by in silico tool(s) or highly conserved with a major amino acid change. Additional information: Variant is predicted to result in a missense amino acid change from Gly to Arg; This variant is heterozygous; This gene is associated with autosomal dominant disease; No comparable missense variants have previous evidence for pathogenicity; Variant is located in the annotated actin domain (DECIPHER); Dominant negative is a known mechanism of disease in this gene and is associated with familial thoracic aortic aneurysm 6 (MIM#611788), Moyamoya disease 5 (MIM#614042) and smooth muscle dysfunction syndrome (MIM#613834) (PMID: 27551047, 28652363); Inheritance information for this variant is not currently available in this individual.

Literature cited by the submitters: PubMed 25759435; PubMed 27551047; PubMed 28652363; PubMed 38316882.